The following is an entry in ClinVar:

NM_001873.4(CPE):c.1040A>G (p.Lys347Arg)

Gene: CPE (carboxypeptidase E; plus strand). Cytogenetic location: 4q32.3.
Variant type: single nucleotide variant.
Coding change: c.1040A>G on transcript NM_001873.4 (MANE Select); coding-DNA position 1040, A replaced by G.
Protein change: p.Lys347Arg; replaces lysine 347 with arginine.
Molecular consequence: missense variant.
Genome position (GRCh38, 1-based): chr4:165,487,504, A>G. VCF-style: chr4-165487504-A-G. GRCh37 (hg19) VCF-style: chr4-166408656-A-G.
Other names: short protein forms K347R.
Identifiers: ClinVar variation 3057680 (VCV003057680.2), dbSNP rs147233167, ClinGen allele CA3130353.

ClinVar aggregate classification (germline): Uncertain significance (0 of 4 stars; one submission).

Conditions:
CPE-related disorder. Also called: CPE-related condition.

Allele frequency attached by ClinVar (database versions not stated): ExAC 0.00004; gnomAD 0.00007; ESP Exome Variant Server 0.00015.
gnomAD v4.1: 108 of 1,614,022 alleles (0.0067%); highest among the groups gnomAD compares: Non-Finnish European, 0.0086%; no homozygotes.

Submission:

PreventionGenetics, part of Exact Sciences
Classification: Uncertain significance for CPE-related condition. Last evaluated: 2024-04-11. Review status: no assertion criteria provided. Collection method: clinical testing. Allele origin: germline.
Comment: The CPE c.1040A>G variant is predicted to result in the amino acid substitution p.Lys347Arg. To our knowledge, this variant has not been reported in the literature. This variant is reported in 0.012% of alleles in individuals of European (Non-Finnish) descent in gnomAD. At this time, the clinical significance of this variant is uncertain due to the absence of conclusive functional and genetic evidence.